The following is an entry in ClinVar:

ClinVar aggregate classification (germline): Uncertain significance (1 of 4 stars; one submission).

Conditions:
Familial cancer of breast. Also called: hereditary breast carcinoma; BREAST CANCER, FAMILIAL; Hereditary breast cancer. Identifiers: Orphanet 227535, MedGen C0346153, MONDO:0016419, OMIM 114480. Disease mechanism: loss of function.

Submission:

Labcorp Genetics (formerly Invitae), Labcorp
Classification: Uncertain significance for Familial cancer of breast. Last evaluated: 2024-06-10. Review status: criteria provided, single submitter. Criteria: Invitae Variant Classification Sherloc (09022015). Collection method: clinical testing. Allele origin: germline.
Comment: This sequence change replaces threonine, which is neutral and polar, with arginine, which is basic and polar, at codon 513 of the PALB2 protein (p.Thr513Arg). This variant is not present in population databases (gnomAD no frequency). This variant has not been reported in the literature in individuals affected with PALB2-related conditions. Advanced modeling of protein sequence and biophysical properties (such as structural, functional, and spatial information, amino acid conservation, physicochemical variation, residue mobility, and thermodynamic stability) performed at Invitae indicates that this missense variant is not expected to disrupt PALB2 protein function with a negative predictive value of 80%. In summary, the available evidence is currently insufficient to determine the role of this variant in disease. Therefore, it has been classified as a Variant of Uncertain Significance.

NM_024675.4(PALB2):c.1538C>G (p.Thr513Arg)

Gene: PALB2 (partner and localizer of BRCA2; minus strand). Cytogenetic location: 16p12.2.
Variant type: single nucleotide variant.
Coding change: c.1538C>G on transcript NM_024675.4 (MANE Select); coding-DNA position 1538, C replaced by G.
Protein change: p.Thr513Arg; replaces threonine 513 with arginine.
Molecular consequence: missense variant. On other transcripts: intron variant (3).
Genome position (GRCh38, 1-based): chr16:23,635,008, G>C on the plus strand (C>G on the coding strand, the complement: PALB2 is on the minus strand). VCF-style: chr16-23635008-G-C. GRCh37 (hg19) VCF-style: chr16-23646329-G-C.
Other names: c.1478C>G, p.Thr493Arg (NM_001407296.1); c.1538C>G, p.Thr513Arg (NM_001407297.1, NM_001407298.1, NM_001407299.1 and 3 more transcripts); c.653C>G, p.Thr218Arg (NM_001407304.1, NM_001407305.1, NM_001407306.1 and 5 more transcripts); c.49-5733C>G (NM_001407314.1); c.-104-4539C>G (NM_001407313.1, NM_001407312.1); short protein forms T493R, T513R, T218R.
Identifiers: ClinVar variation 3656082 (VCV003656082.2).
Genomic context (GRCh38, chr16:23,635,008, plus strand): 5'-GTTGGCAAAAGTGGTTCACAATGATCTGATGCTGGGGTGCAGGCTGATTTTCTTTTTCCT[G>C]TGTATCTTCTACCAGGTGCTTGGGCAACTGCCTTCCTAGACAAGTCATTATCTTCAGTGG-3'
Protein context (NP_078951.2, residues 503-523): AVAQAPGRRY[Thr513Arg]GKRKSACTPA